The following is an entry in ClinVar:

ClinVar aggregate classification (germline): Benign/Likely benign. Review status: criteria provided, multiple submitters, no conflicts (2 of 4 stars). 2 submissions from 2 submitters: Benign (1); Likely benign (1). Last evaluated 2026-07-15.

Conditions:
FLG-related disorder. Also called: FLG-related disorders; FLG-related condition.

gnomAD v4.1: 4,406 of 1,553,418 alleles (0.28%); highest among the groups gnomAD compares: African/African-American, 5.3%; 123 homozygotes.

Submissions (2):

PreventionGenetics, part of Exact Sciences
Classification: Benign for FLG-related condition. Last evaluated: 2026-07-15. Review status: criteria provided, single submitter. Criteria: ACMG Guidelines, 2015. Collection method: clinical testing. Allele origin: germline.
Comment: This variant is classified as benign based on ACMG/AMP sequence variant interpretation guidelines (Richards et al. 2015 PMID: 25741868, with internal and published modifications).

Blueprint Genetics
Classification: Likely benign. Last evaluated: 2024-11-11. Review status: criteria provided, single submitter. Criteria: ACMG Guidelines, 2015. Collection method: clinical testing. Allele origin: germline.

NM_002016.2(FLG):c.2283A>C (p.Ser761=)

Genes: CCDST (cervical cancer associated DHX9 suppressive transcript; plus strand), FLG (filaggrin; minus strand). Cytogenetic location: 1q21.3.
Variant type: single nucleotide variant.
Coding change: c.2283A>C on transcript NM_002016.2 (MANE Select); coding-DNA position 2283, A replaced by C.
Protein change: p.Ser761=; no amino-acid change (serine 761 retained).
Molecular consequence: synonymous variant.
Genome position (GRCh38, 1-based): chr1:152,312,603, T>G on the plus strand (A>C on the coding strand, the complement: FLG is on the minus strand). VCF-style: chr1-152312603-T-G. GRCh37 (hg19) VCF-style: chr1-152285079-T-G.
Identifiers: ClinVar variation 4912257 (VCV004912257.2).